The following is an entry in ClinVar:

ClinVar aggregate classification (germline): Conflicting classifications of pathogenicity. Review status: criteria provided, conflicting classifications (1 of 4 stars). 3 submissions from 3 submitters: Uncertain significance (2); Likely benign (1). Last evaluated 2025-10-19.

Conditions:
Inborn genetic diseases. Identifiers: MedGen C0950123, MeSH D030342.
DMXL2-related disorder. Also called: DMXL2-related condition.

Allele frequency attached by ClinVar (database versions not stated): gnomAD exomes 0.00001 and 0.00003; TOPMed 0.00002; ExAC 0.00003.

Submissions (3):

PreventionGenetics, part of Exact Sciences
Classification: Uncertain significance for DMXL2-related condition. Last evaluated: 2025-10-19. Review status: criteria provided, single submitter. Criteria: ACMG Guidelines, 2015. Collection method: clinical testing. Allele origin: germline.
Comment: The DMXL2 c.8773G>A variant is predicted to result in the amino acid substitution p.Val2925Ile. To our knowledge, this variant has not been reported in the literature. This variant is reported in 0.0070% of alleles in individuals of European (Non-Finnish) descent in gnomAD. At this time, the clinical significance of this variant is uncertain due to the absence of conclusive functional and genetic evidence.

Labcorp Genetics (formerly Invitae), Labcorp
Classification: Uncertain significance. Last evaluated: 2022-07-26. Review status: criteria provided, single submitter. Criteria: Invitae Variant Classification Sherloc (09022015). Collection method: clinical testing. Allele origin: germline.
Comment: In summary, the available evidence is currently insufficient to determine the role of this variant in disease. Therefore, it has been classified as a Variant of Uncertain Significance. Algorithms developed to predict the effect of missense changes on protein structure and function output the following: SIFT: "Tolerated"; PolyPhen-2: "Benign"; Align-GVGD: "Class C0". The isoleucine amino acid residue is found in multiple mammalian species, which suggests that this missense change does not adversely affect protein function. ClinVar contains an entry for this variant (Variation ID: 1396964). This variant has not been reported in the literature in individuals affected with DMXL2-related conditions. This variant is present in population databases (rs748480363, gnomAD 0.007%). This sequence change replaces valine, which is neutral and non-polar, with isoleucine, which is neutral and non-polar, at codon 2925 of the DMXL2 protein (p.Val2925Ile).

Ambry Genetics
Classification: Likely benign for Inborn genetic diseases. Last evaluated: 2021-11-16. Review status: criteria provided, single submitter. Criteria: Ambry Variant Classification Scheme 2023. Collection method: clinical testing. Allele origin: germline.

NM_001378457.1(DMXL2):c.8836G>A (p.Val2946Ile)

Genes: DMXL2 (Dmx like 2; minus strand), LOC126862131 (MED14-independent group 3 enhancer GRCh37_chr15:51741640-51742839; plus strand). Cytogenetic location: 15q21.2.
Variant type: single nucleotide variant.
Coding change: c.8836G>A on transcript NM_001378457.1 (MANE Select); coding-DNA position 8836, G replaced by A.
Protein change: p.Val2946Ile; replaces valine 2946 with isoleucine.
Molecular consequence: missense variant. On other transcripts: non-coding transcript variant (2).
Genome position (GRCh38, 1-based): chr15:51,450,260, C>T on the plus strand (G>A on the coding strand, the complement: DMXL2 is on the minus strand). VCF-style: chr15-51450260-C-T. GRCh37 (hg19) VCF-style: chr15-51742457-C-T.
Other names: c.8773G>A, p.Val2925Ile (NM_001174116.3); c.6862G>A, p.Val2288Ile (NM_001174117.3); c.8833G>A, p.Val2945Ile (NM_001378458.1); c.8548G>A, p.Val2850Ile (NM_001378459.1); c.6751G>A, p.Val2251Ile (NM_001378460.1); c.8770G>A, p.Val2924Ile (NM_015263.5); c.8773G>A (NM_001174116.1); short protein forms V2251I, V2288I, V2925I, V2850I, V2946I, V2924I, V2945I.
Identifiers: ClinVar variation 1396964 (VCV001396964.8), dbSNP rs748480363, ClinGen allele CA7560882.
Genomic context (GRCh38, chr15:51,450,260, plus strand): 5'-CTGAGTCATGGGCCTGGAACGTGTGAATGAGCTGCCTTTGCCTGATGTCAAAAATGCAGA[C>T]GTGTCCTTTCCTACCCCCCGAGATTAGGAGTTGCTGTTTGGGTGCATACTGCAGTACCGT-3'
Protein context (NP_001365386.1, residues 2936-2956): LLISGGRKGH[Val2946Ile]CIFDIRQRQL